The following is an entry in ClinVar:

ClinVar aggregate classification (germline): Uncertain significance. Review status: criteria provided, multiple submitters, no conflicts (2 of 4 stars). 2 submissions from 2 submitters: Uncertain significance (2). Last evaluated 2025-12-12.

Conditions:
BBS7-related disorder. Also called: BBS7-related condition.
Bardet-Biedl syndrome (BBS). Identifiers: Orphanet 110, MedGen C0752166, MONDO:0015229.

Allele frequency attached by ClinVar (database versions not stated): gnomAD 0.00001 and 0.00002; TOPMed 0.00003.

Submissions (2):

PreventionGenetics, part of Exact Sciences
Classification: Uncertain significance for BBS7-related condition. Last evaluated: 2025-12-12. Review status: criteria provided, single submitter. Criteria: ACMG Guidelines, 2015. Collection method: clinical testing. Allele origin: germline.
Comment: The BBS7 c.1721C>G variant is predicted to result in the amino acid substitution p.Ser574Cys. This variant has been reported in an individual with Bardet-Biedl syndrome; however, other likely causative variants were also present (Muller et al. 2010. PubMed ID: 20177705). This variant is reported in 0.0018% of alleles in individuals of European (Non-Finnish) descent in gnomAD. At this time, the clinical significance of this variant is uncertain due to the absence of conclusive functional and genetic evidence.

Labcorp Genetics (formerly Invitae), Labcorp
Classification: Uncertain significance for Bardet-Biedl syndrome. Last evaluated: 2022-07-25. Review status: criteria provided, single submitter. Criteria: Invitae Variant Classification Sherloc (09022015). Collection method: clinical testing. Allele origin: germline.
Comment: This sequence change replaces serine, which is neutral and polar, with cysteine, which is neutral and slightly polar, at codon 574 of the BBS7 protein (p.Ser574Cys). This variant is present in population databases (no rsID available, gnomAD 0.002%). This variant has not been reported in the literature in individuals affected with BBS7-related conditions. ClinVar contains an entry for this variant (Variation ID: 1407943). Algorithms developed to predict the effect of missense changes on protein structure and function (SIFT, PolyPhen-2, Align-GVGD) all suggest that this variant is likely to be tolerated. Algorithms developed to predict the effect of sequence changes on RNA splicing suggest that this variant may disrupt the consensus splice site. In summary, the available evidence is currently insufficient to determine the role of this variant in disease. Therefore, it has been classified as a Variant of Uncertain Significance.

NM_176824.3(BBS7):c.1721C>G (p.Ser574Cys)

Gene: BBS7 (Bardet-Biedl syndrome 7; minus strand). Cytogenetic location: 4q27.
Variant type: single nucleotide variant.
Coding change: c.1721C>G on transcript NM_176824.3 (MANE Select); coding-DNA position 1721, C replaced by G.
Protein change: p.Ser574Cys; replaces serine 574 with cysteine.
Molecular consequence: missense variant.
Genome position (GRCh38, 1-based): chr4:121,828,684, G>C on the plus strand (C>G on the coding strand, the complement: BBS7 is on the minus strand). VCF-style: chr4-121828684-G-C. GRCh37 (hg19) VCF-style: chr4-122749839-G-C.
Other names: c.1721C>G, p.Ser574Cys (NM_018190.4); c.1721C>G (NM_176824.2); short protein forms S574C.
Identifiers: ClinVar variation 1407943 (VCV001407943.7), dbSNP rs765782762, ClinGen allele CA104753138.